The following is an entry in ClinVar:

NM_000061.3(BTK):c.1361A>T (p.His454Leu)

Gene: BTK (Bruton tyrosine kinase; minus strand). Cytogenetic location: Xq22.1.
Variant type: single nucleotide variant.
Coding change: c.1361A>T on transcript NM_000061.3 (MANE Select); coding-DNA position 1361, A replaced by T.
Protein change: p.His454Leu; replaces histidine 454 with leucine.
Molecular consequence: missense variant. On other transcripts: intron variant (1).
Genome position (GRCh38, 1-based): chrX:101,356,257, T>A on the plus strand (A>T on the coding strand, the complement: BTK is on the minus strand). VCF-style: chrX-101356257-T-A. GRCh37 (hg19) VCF-style: chrX-100611245-T-A.
Other names: c.1463A>T, p.His488Leu (NM_001287344.2); c.1039-1563A>T (NM_001287345.2); short protein forms H488L, H454L.
Identifiers: ClinVar variation 2737293 (VCV002737293.3), dbSNP rs2520553985, ClinGen allele CA413924586.

ClinVar aggregate classification (germline): Likely pathogenic (1 of 4 stars; one submission).

Conditions:
X-linked agammaglobulinemia with growth hormone deficiency (IGHD3). Also called: AGAMMAGLOBULINEMIA AND ISOLATED GROWTH HORMONE DEFICIENCY, X-LINKED; FLEISHER SYNDROME; Isolated growth hormone deficiency type 3; Growth hormone deficiency with hypogammaglobulinemia; HYPOGAMMAGLOBULINEMIA AND ISOLATED GROWTH HORMONE DEFICIENCY, X-LINKED; IGHD III. Identifiers: Orphanet 231692, Orphanet 631, MedGen C0472813, MONDO:0010615, OMIM 307200.

Submission:

Labcorp Genetics (formerly Invitae), Labcorp
Classification: Likely pathogenic for X-linked agammaglobulinemia with growth hormone deficiency. Last evaluated: 2024-09-24. Review status: criteria provided, single submitter. Criteria: Invitae Variant Classification Sherloc (09022015). Collection method: clinical testing. Allele origin: germline.
Comment: This sequence change replaces histidine, which is basic and polar, with leucine, which is neutral and non-polar, at codon 454 of the BTK protein (p.His454Leu). This variant is not present in population databases (gnomAD no frequency). This missense change has been observed in individuals with agammaglobulinemia (PMID: 27512878; internal data). Invitae Evidence Modeling of protein sequence and biophysical properties (such as structural, functional, and spatial information, amino acid conservation, physicochemical variation, residue mobility, and thermodynamic stability) indicates that this missense variant is expected to disrupt BTK protein function with a positive predictive value of 80%. This variant disrupts the p.His454 amino acid residue in BTK. Other variant(s) that disrupt this residue have been determined to be pathogenic (internal data). This suggests that this residue is clinically significant, and that variants that disrupt this residue are likely to be disease-causing. In summary, the currently available evidence indicates that the variant is pathogenic, but additional data are needed to prove that conclusively. Therefore, this variant has been classified as Likely Pathogenic.

Literature cited by the submitters: PubMed 27512878.